The following is an entry in ClinVar:

NM_000421.5(KRT10):c.1560_1561del (p.Gly521fs)

Gene: KRT10 (keratin 10; minus strand). Cytogenetic location: 17q21.2.
Variant type: Deletion.
Coding change: c.1560_1561del on transcript NM_000421.5 (MANE Select); coding-DNA positions 1560 to 1561, 2 bases deleted (CG; older notation c.1560_1561delCG).
Protein change: p.Gly521fs; shifts the reading frame from glycine 521.
Molecular consequence: frameshift variant.
Genome position (GRCh38, 1-based): chr17:40,818,974-40,818,975, CG deleted on the plus strand (CG on the coding strand, the reverse complement: KRT10 is on the minus strand); deleting any 2 consecutive bases within chr17:40,818,974-40,818,976 gives the same sequence; the c. name uses the placement nearest the transcript's 3' end. VCF-style (leftmost placement, unchanged base first): chr17-40818973-CCG-C. GRCh37 (hg19) VCF-style: chr17-38975225-CCG-C.
Other names: c.1560_1561del, p.Gly521fs (NM_001379366.1); short protein forms G521fs.
Identifiers: ClinVar variation 14584 (VCV000014584.4), dbSNP rs267607384, ClinGen allele CA124151.
Genomic context (GRCh38, chr17:40,818,973, plus strand): 5'-CCGCCGCCGCCGCCGCCGGAACTGCCACCACCGTAGCCGCCGCTGGAACTGCCGCCGTGG[CCG>C]CCGCTGGAGCTTCCGCCCCCGTAGCCGCCGCCGGAGCTTCCGCCGCCGGAGCTTCCGCCT-3'

ClinVar aggregate classification (germline): Pathogenic. Review status: criteria provided, single submitter (1 of 4 stars). 3 submissions from 3 submitters: Pathogenic (1). 2 of the submissions do not count toward it. Last evaluated 2025-06-25.

Conditions:
KRT10-related disorder. Also called: KRT10-related condition.
Congenital reticular ichthyosiform erythroderma (IWC). Also called: ICHTHYOSIS WITH CONFETTI. Identifiers: Orphanet 281190, MedGen C3665704, MONDO:0012208, OMIM 609165.

Submissions (3):

Greenwood Genetic Center Diagnostic Laboratories, Greenwood Genetic Center
Classification: Pathogenic for KRT10-related disorder. Last evaluated: 2025-06-25. Review status: criteria provided, single submitter. Criteria: ACMG Guidelines, 2015. Collection method: clinical testing. Allele origin: germline. Affected: yes.
Comment: PVS1, PS4_Supporting, PM2

OMIM
Classification: Pathogenic for ICHTHYOSIS WITH CONFETTI. Last evaluated: 2010-10-01. Review status: no assertion criteria provided. Collection method: literature only. Allele origin: germline. Not counted in ClinVar's aggregate classification.

Epithelial Biology;  Institute of Medical Biology, Singapore
No classification provided. Review status: no classification provided. Collection method: not provided. Allele origin: not provided. Not counted in ClinVar's aggregate classification.

Literature cited by the submitters: PubMed 20798280 (cited by OMIM).